The following is an entry in ClinVar:

NM_001114753.3(ENG):c.397dup (p.Val133fs)

Gene: ENG (endoglin; minus strand). Cytogenetic location: 9q34.11.
Variant type: Duplication.
Coding change: c.397dup on transcript NM_001114753.3 (MANE Select); coding-DNA position 397, one base duplicated (G; older notation c.397dupG).
Protein change: p.Val133fs; shifts the reading frame from valine 133.
Molecular consequence: frameshift variant. On other transcripts: 5 prime UTR variant (1).
Genome position (GRCh38, 1-based): chr9:127,826,636, C duplicated on the plus strand (G on the coding strand, the reverse complement: ENG is on the minus strand); the first of 5 consecutive C bases (chr9:127,826,636-127,826,640); duplicating any one gives the same sequence. VCF-style (leftmost placement, unchanged base first): chr9-127826635-A-AC. GRCh37 (hg19) VCF-style: chr9-130588914-A-AC.
Other names: c.397dupG (NM_001114753.2); c.393dup, p.Val133Glyfs (NM_000118.4, NM_001406715.1); c.-150dup (NM_001278138.2); short protein forms V133fs.
Identifiers: ClinVar variation 1163504 (VCV001163504.11), dbSNP rs1588583640, ClinGen allele CA2499219645.

ClinVar aggregate classification (germline): Pathogenic. Review status: criteria provided, multiple submitters, no conflicts (2 of 4 stars). 3 submissions from 3 submitters: Pathogenic (3). Last evaluated 2024-09-18.

Conditions:
Hereditary hemorrhagic telangiectasia (HHT). Also called: Osler hemorrhagic telangiectasia syndrome; ORW DISEASE; Osler Weber Rendu syndrome; OSLER-RENDU-WEBER DISEASE. Identifiers: Orphanet 774, MedGen C0039445, MONDO:0019180. Disease mechanism: loss of function.
ENG-related disorder. Also called: ENG-related condition; ENG-related disorders.

Submissions (3):

Labcorp Genetics (formerly Invitae), Labcorp
Classification: Pathogenic for Hereditary hemorrhagic telangiectasia. Last evaluated: 2024-09-18. Review status: criteria provided, single submitter. Criteria: Invitae Variant Classification Sherloc (09022015). Collection method: clinical testing. Allele origin: germline.
Comment: This sequence change creates a premature translational stop signal (p.Val133Glyfs*16) in the ENG gene. It is expected to result in an absent or disrupted protein product. Loss-of-function variants in ENG are known to be pathogenic (PMID: 15879500). This variant is not present in population databases (gnomAD no frequency). This variant has not been reported in the literature in individuals affected with ENG-related conditions. ClinVar contains an entry for this variant (Variation ID: 1163504). For these reasons, this variant has been classified as Pathogenic.

Blueprint Genetics
Classification: Pathogenic for ENG-related disorders. Last evaluated: 2020-09-24. Review status: criteria provided, single submitter. Criteria: ACMG Guidelines, 2015. Collection method: clinical testing. Allele origin: germline. Affected: yes. Observed: 1 variant allele.

Mayo Clinic Laboratories, Mayo Clinic
Classification: Pathogenic. Last evaluated: 2019-08-03. Review status: criteria provided, single submitter. Criteria: ACMG Guidelines, 2015. Collection method: clinical testing. Allele origin: germline. Observed: 1 variant allele.
Comment: PVS1, PM2

Literature cited by the submitters: PubMed 15879500 (cited by Labcorp Genetics (formerly Invitae), Labcorp).